The following is an entry in ClinVar:

NM_000448.3(RAG1):c.*1366A>G

Gene: RAG1 (recombination activating 1; plus strand). Cytogenetic location: 11p12.
Variant type: single nucleotide variant.
Coding change: c.*1366A>G on transcript NM_000448.3 (MANE Select); 1366 bases downstream of the stop codon, A replaced by G.
Molecular consequence: 3 prime UTR variant.
Genome position (GRCh38, 1-based): chr11:36,577,802, A>G. VCF-style: chr11-36577802-A-G. GRCh37 (hg19) VCF-style: chr11-36599352-A-G.
Other names: c.*1366A>G (NM_001377277.1, NM_001377278.1, NM_001377279.1 and 1 more transcripts).
Identifiers: ClinVar variation 304523 (VCV000304523.5), dbSNP rs371127461, ClinGen allele CA10639009.

ClinVar aggregate classification (germline): Benign. Review status: criteria provided, single submitter (1 of 4 stars). 2 submissions from 1 submitter: Benign (2). Last evaluated 2018-01-13.

Conditions:
Histiocytic medullary reticulosis. Also called: SEVERE COMBINED IMMUNODEFICIENCY WITH HYPEREOSINOPHILIA; Omenn syndrome. Identifiers: Orphanet 39041, MedGen C2700553, MONDO:0011338, OMIM 603554.
Severe combined immunodeficiency, autosomal recessive, T cell-negative, B cell-negative, NK cell-positive. Also called: SCID, T CELL-NEGATIVE, B CELL-NEGATIVE, NK CELL-POSITIVE; SCID, AR, T-cell negative, B-cell negative, NK cell-positive; Severe combined immunodeficiency due to complete RAG1/2 deficiency. Identifiers: Orphanet 331206, MedGen C1832322, MONDO:0011086, OMIM 601457.

Allele frequency attached by ClinVar (database versions not stated): gnomAD 0.00130 and 0.00204; TOPMed 0.00144; 1000 Genomes Project 30x 0.00843; 1000 Genomes Project 0.00859.

Submissions (2):

Illumina Laboratory Services, Illumina
Classification: Benign for Histiocytic medullary reticulosis. Last evaluated: 2018-01-13. Review status: criteria provided, single submitter. Criteria: ICSL Variant Classification Criteria 13 December 2019. Collection method: clinical testing. Allele origin: germline.
Comment: This variant was observed in the ICSL laboratory as part of a predisposition screen in an ostensibly healthy population. It had not been previously curated by ICSL or reported in the Human Gene Mutation Database (HGMD: prior to June 1st, 2018), and was therefore a candidate for classification through an automated scoring system. Utilizing variant allele frequency, disease prevalence and penetrance estimates, and inheritance mode, an automated score was calculated to assess if this variant is too frequent to cause the disease. Based on the score and internal cut-off values, a variant classified as benign is not then subjected to further curation. The score for this variant resulted in a classification of benign for this disease.

Illumina Laboratory Services, Illumina
Classification: Benign for Severe combined immunodeficiency, autosomal recessive, T cell-negative, B cell-negative, NK cell-positive. Last evaluated: 2018-01-13. Review status: criteria provided, single submitter. Criteria: ICSL Variant Classification Criteria 13 December 2019. Collection method: clinical testing. Allele origin: germline.
Comment: the same text as in the submission from Illumina Laboratory Services, Illumina above.